The following is an entry in ClinVar:

NM_005186.4(CAPN1):c.489C>G (p.Val163=)

Gene: CAPN1 (calpain 1; plus strand). Cytogenetic location: 11q13.1.
Variant type: single nucleotide variant.
Coding change: c.489C>G on transcript NM_005186.4 (MANE Select); coding-DNA position 489, C replaced by G.
Protein change: p.Val163=; no amino-acid change (valine 163 retained).
Molecular consequence: synonymous variant. On other transcripts: non-coding transcript variant (1).
Genome position (GRCh38, 1-based): chr11:65,185,949, C>G. VCF-style: chr11-65185949-C-G. GRCh37 (hg19) VCF-style: chr11-64953420-C-G.
Other names: c.489C>G, p.Val163= (NM_001198868.2, NM_001198869.2); c.327C>G, p.Val109= (NM_001198870.1).
Identifiers: ClinVar variation 3058360 (VCV003058360.2), dbSNP rs1258484846, ClinGen allele CA475008583.

ClinVar aggregate classification (germline): Likely benign (0 of 4 stars; one submission).

Conditions:
CAPN1-related disorder. Also called: CAPN1-related condition.

gnomAD v4.1: 39 of 1,591,836 alleles (0.0025%); highest among the groups gnomAD compares: Non-Finnish European, 0.0031%; no homozygotes.

Submission:

PreventionGenetics, part of Exact Sciences
Classification: Likely benign for CAPN1-related condition. Last evaluated: 2019-02-28. Review status: no assertion criteria provided. Collection method: clinical testing. Allele origin: germline.
Comment: This variant is classified as likely benign based on ACMG/AMP sequence variant interpretation guidelines (Richards et al. 2015 PMID: 25741868, with internal and published modifications).